The following is an entry in ClinVar:

NM_000171.4(GLRA1):c.608C>A (p.Ala203Asp)

Gene: GLRA1 (glycine receptor alpha 1; minus strand). Cytogenetic location: 5q33.1.
Variant type: single nucleotide variant.
Coding change: c.608C>A on transcript NM_000171.4 (MANE Select); coding-DNA position 608, C replaced by A.
Protein change: p.Ala203Asp; replaces alanine 203 with aspartic acid.
Molecular consequence: missense variant.
Genome position (GRCh38, 1-based): chr5:151,855,129, G>T on the plus strand (C>A on the coding strand, the complement: GLRA1 is on the minus strand). VCF-style: chr5-151855129-G-T. GRCh37 (hg19) VCF-style: chr5-151234690-G-T.
Other names: c.608C>A, p.Ala203Asp (NM_001146040.2); c.359C>A, p.Ala120Asp (NM_001292000.2); short protein forms A120D, A203D.
Identifiers: ClinVar variation 1063233 (VCV001063233.6), dbSNP rs980887652, ClinGen allele CA129988473.

ClinVar aggregate classification (germline): Uncertain significance (1 of 4 stars; one submission).

Conditions:
Hereditary hyperekplexia. Identifiers: Orphanet 3197, MedGen C4084968, MONDO:0021022.

Submission:

Labcorp Genetics (formerly Invitae), Labcorp
Classification: Uncertain significance for Hereditary hyperekplexia. Last evaluated: 2024-09-21. Review status: criteria provided, single submitter. Criteria: Invitae Variant Classification Sherloc (09022015). Collection method: clinical testing. Allele origin: germline.
Comment: This sequence change replaces alanine, which is neutral and non-polar, with aspartic acid, which is acidic and polar, at codon 203 of the GLRA1 protein (p.Ala203Asp). This variant is not present in population databases (gnomAD no frequency). This variant has not been reported in the literature in individuals affected with GLRA1-related conditions. ClinVar contains an entry for this variant (Variation ID: 1063233). Invitae Evidence Modeling of protein sequence and biophysical properties (such as structural, functional, and spatial information, amino acid conservation, physicochemical variation, residue mobility, and thermodynamic stability) indicates that this missense variant is expected to disrupt GLRA1 protein function with a positive predictive value of 80%. In summary, the available evidence is currently insufficient to determine the role of this variant in disease. Therefore, it has been classified as a Variant of Uncertain Significance.